The following is an entry in ClinVar:

ClinVar aggregate classification (germline): Pathogenic (1 of 4 stars; one submission).

Conditions:
Pyruvate kinase deficiency of red cells (CNSHA2). Also called: PK DEFICIENCY; PYRUVATE KINASE DEFICIENCY OF ERYTHROCYTE; Pyruvate kinase deficiency, Amish type. Identifiers: Orphanet 766, MedGen C0340968, MONDO:0009950, OMIM 266200.
Pyruvate kinase hyperactivity. Identifiers: MedGen C1863224, MONDO:0007067, OMIM 102900.

Submission:

Juno Genomics, Hangzhou Juno Genomics, Inc
Classification: Pathogenic for Pyruvate kinase hyperactivity; Pyruvate kinase deficiency of red cells. Review status: criteria provided, single submitter. Criteria: ACMG Guidelines, 2015. Collection method: clinical testing. Allele origin: germline.
Comment: Absent from controls (or at extremely low frequency if recessive) in Genome Aggregation Database.;Null variant in a gene where loss of function (LOF) is a known mechanism of disease.;Patient's phenotype or family history is highly specific for a disease with a single genetic etiology.

NM_000298.6(PKLR):c.1015dup (p.Asp339fs)

Gene: PKLR (pyruvate kinase L/R; minus strand). Cytogenetic location: 1q22.
Variant type: Duplication.
Coding change: c.1015dup on transcript NM_000298.6 (MANE Select); coding-DNA position 1015, one base duplicated (G; older notation c.1015dupG).
Protein change: p.Asp339fs; shifts the reading frame from aspartic acid 339.
Molecular consequence: frameshift variant.
Genome position (GRCh38, 1-based): chr1:155,294,336, C duplicated on the plus strand (G on the coding strand, the reverse complement: PKLR is on the minus strand); the first of 6 consecutive C bases (chr1:155,294,336-155,294,341); duplicating any one gives the same sequence. VCF-style (leftmost placement, unchanged base first): chr1-155294335-T-TC. GRCh37 (hg19) VCF-style: chr1-155264126-T-TC.
Other names: c.922dup, p.Asp308fs (NM_181871.4); short protein forms D308fs, D339fs.
Identifiers: ClinVar variation 5007847 (VCV005007847.2).